The following is an entry in ClinVar:

NM_033380.3(COL4A5):c.2414G>A (p.Gly805Glu)

Gene: COL4A5 (collagen type IV alpha 5 chain; plus strand). Cytogenetic location: Xq22.3.
Variant type: single nucleotide variant.
Coding change: c.2414G>A on transcript NM_033380.3 (MANE Select); coding-DNA position 2414, G replaced by A.
Protein change: p.Gly805Glu; replaces glycine 805 with glutamic acid.
Molecular consequence: missense variant.
Genome position (GRCh38, 1-based): chrX:108,614,929, G>A. VCF-style: chrX-108614929-G-A. GRCh37 (hg19) VCF-style: chrX-107858159-G-A.
Other names: c.2414G>A, p.Gly805Glu (NM_000495.5); short protein forms G805E.
Identifiers: ClinVar variation 447200 (VCV000447200.7), dbSNP rs1556418210, ClinGen allele CA413849782.

ClinVar aggregate classification (germline): Pathogenic/Likely pathogenic. Review status: criteria provided, multiple submitters, no conflicts (2 of 4 stars). 3 submissions from 3 submitters: Pathogenic (2); Likely pathogenic (1). Last evaluated 2022-05-12.

Submissions (3):

Labcorp Genetics (formerly Invitae), Labcorp
Classification: Likely pathogenic. Last evaluated: 2022-05-12. Review status: criteria provided, single submitter. Criteria: Invitae Variant Classification Sherloc (09022015). Collection method: clinical testing. Allele origin: germline.
Comment: This variant is not present in population databases (gnomAD no frequency). In summary, the currently available evidence indicates that the variant is pathogenic, but additional data are needed to prove that conclusively. Therefore, this variant has been classified as Likely Pathogenic. This variant disrupts the p.Gly805 amino acid residue in COL4A5. Other variant(s) that disrupt this residue have been observed in individuals with COL4A5-related conditions (PMID: 32405592), which suggests that this may be a clinically significant amino acid residue. This variant disrupts the triple helix domain of COL4A5. Glycine residues within the Gly-Xaa-Yaa repeats of the triple helix domain are required for the structure and stability of fibrillar collagens (PMID: 7695699, 8218237, 19344236). In COL4A5, missense variants at these glycine residues are significantly enriched in individuals with disease (PMID: 23720012, 27627812) compared to the general population (ExAC). Advanced modeling of protein sequence and biophysical properties (such as structural, functional, and spatial information, amino acid conservation, physicochemical variation, residue mobility, and thermodynamic stability) performed at Invitae indicates that this missense variant is expected to disrupt COL4A5 protein function. ClinVar contains an entry for this variant (Variation ID: 447200). This missense change has been observed in individual(s) with clinical features of Alport syndrome (Invitae). This sequence change replaces glycine, which is neutral and non-polar, with glutamic acid, which is acidic and polar, at codon 805 of the COL4A5 protein (p.Gly805Glu).

GeneDx
Classification: Pathogenic. Last evaluated: 2018-09-05. Review status: criteria provided, single submitter. Criteria: GeneDx Variant Classification (06012015). Collection method: clinical testing. Allele origin: germline. Affected: yes.
Comment: The G805E variant in the COL4A5 gene has not been published as a pathogenic variant, nor has it been reported as a benign variant to our knowledge. The G805E variant occurs within the triple-helical region of the COL4A5 gene and replaces the Glycine in the canonical Gly-X-Y repeat (Uniprot). Variants in these Glycines result in poor winding of the collagen triple helix and a less functional protein. This variant is not observed in large population cohorts (Lek et al., 2016; 1000 Genomes Consortium et al., 2015; Exome Variant Server). The G805E variant is a non-conservative amino acid substitution, which is likely to impact secondary protein structure as these residues differ in polarity, charge, size and/or other properties. This substitution occurs at a position that is conserved across species, and in silico analysis predicts this variant is probably damaging to the protein structure/function. Based on currently available evidence, we consider G805E to be pathogenic.

Athena Diagnostics
Classification: Pathogenic. Last evaluated: 2016-10-31. Review status: criteria provided, single submitter. Criteria: Athena Diagnostics Criteria. Collection method: clinical testing. Allele origin: germline.

Literature cited by the submitters: PubMed 32405592 (cited by Labcorp Genetics (formerly Invitae), Labcorp); PubMed 7695699 (cited by Labcorp Genetics (formerly Invitae), Labcorp); PubMed 8218237 (cited by Labcorp Genetics (formerly Invitae), Labcorp); PubMed 19344236 (cited by Labcorp Genetics (formerly Invitae), Labcorp); PubMed 23720012 (cited by Labcorp Genetics (formerly Invitae), Labcorp); PubMed 27627812 (cited by Labcorp Genetics (formerly Invitae), Labcorp).